The following is an entry in ClinVar:

ClinVar aggregate classification (germline): Uncertain significance (1 of 4 stars; one submission).

Conditions:
Cardiovascular phenotype. Identifiers: MedGen CN230736.

Submission:

Ambry Genetics
Classification: Uncertain significance for Cardiovascular phenotype. Last evaluated: 2022-08-16. Review status: criteria provided, single submitter. Criteria: Ambry Variant Classification Scheme 2023. Collection method: clinical testing. Allele origin: germline.
Comment: The p.S2832F variant (also known as c.8495C>T), located in coding exon 2 of the ZNF469 gene, results from a C to T substitution at nucleotide position 8495. The serine at codon 2832 is replaced by phenylalanine, an amino acid with highly dissimilar properties. This amino acid position is conserved. In addition, this alteration is predicted to be tolerated by in silico analysis. Since supporting evidence is limited at this time, the clinical significance of this alteration remains unclear.

NM_001367624.2(ZNF469):c.8579C>T (p.Ser2860Phe)

Gene: ZNF469 (zinc finger protein 469; plus strand). Cytogenetic location: 16q24.2.
Variant type: single nucleotide variant.
Coding change: c.8579C>T on transcript NM_001367624.2 (MANE Select); coding-DNA position 8579, C replaced by T.
Protein change: p.Ser2860Phe; replaces serine 2860 with phenylalanine.
Molecular consequence: missense variant.
Genome position (GRCh38, 1-based): chr16:88,436,049, C>T. VCF-style: chr16-88436049-C-T. GRCh37 (hg19) VCF-style: chr16-88502457-C-T.
Other names: NM_001127464.1:c.8495C>T; short protein forms S2860F.
Identifiers: ClinVar variation 1763585 (VCV001763585.2), dbSNP rs2507600143, ClinGen allele CA397118698.